The following is an entry in ClinVar:

NM_000051.4(ATM):c.982A>C (p.Ser328Arg)

Gene: ATM (ATM serine/threonine kinase; plus strand). Cytogenetic location: 11q22.3.
Variant type: single nucleotide variant.
Coding change: c.982A>C on transcript NM_000051.4 (MANE Select); coding-DNA position 982, A replaced by C.
Protein change: p.Ser328Arg; replaces serine 328 with arginine.
Molecular consequence: missense variant.
Genome position (GRCh38, 1-based): chr11:108,247,044, A>C. VCF-style: chr11-108247044-A-C. GRCh37 (hg19) VCF-style: chr11-108117771-A-C.
Other names: c.982A>C, p.Ser328Arg (NM_001351834.2); short protein forms S328R.
Identifiers: ClinVar variation 490759 (VCV000490759.10), dbSNP rs1555068433, ClinGen allele CA382531145.

ClinVar aggregate classification (germline): Uncertain significance. Review status: criteria provided, multiple submitters, no conflicts (2 of 4 stars). 3 submissions from 3 submitters: Uncertain significance (3). Last evaluated 2025-10-11.

Conditions:
Hereditary cancer-predisposing syndrome. Also called: Tumor predisposition; Neoplastic Syndromes, Hereditary; Hereditary Cancer Syndrome; Hereditary neoplastic syndrome. Identifiers: Orphanet 140162, MedGen C0027672, MeSH D009386, MONDO:0015356.
Ataxia-telangiectasia syndrome (AT). Also called: Ataxia-telangiectasia; Ataxia-telangiectasia, complementation group D; AT, COMPLEMENTATION GROUP C; LOUIS-BAR SYNDROME; Cerebello-oculocutaneous telangiectasia; Immunodeficiency with ataxia telangiectasia. Identifiers: Orphanet 100, MedGen C0004135, MONDO:0008840, OMIM 208900.

Submissions (3):

Ambry Genetics
Classification: Uncertain significance for Hereditary cancer-predisposing syndrome. Last evaluated: 2025-10-11. Review status: criteria provided, single submitter. Criteria: Ambry Variant Classification Scheme 2023. Collection method: clinical testing. Allele origin: germline.
Comment: The p.S328R variant (also known as c.982A>C), located in coding exon 7 of the ATM gene, results from an A to C substitution at nucleotide position 982. The serine at codon 328 is replaced by arginine, an amino acid with dissimilar properties. This amino acid position is conserved. In addition, the in silico prediction for this alteration is inconclusive. Based on the available evidence, the clinical significance of this variant remains unclear.

Color Diagnostics, LLC DBA Color Health
Classification: Uncertain significance for Hereditary cancer-predisposing syndrome. Last evaluated: 2023-12-04. Review status: criteria provided, single submitter. Criteria: ACMG Guidelines, 2015. Collection method: clinical testing. Allele origin: germline.
Comment: This missense variant replaces serine with arginine at codon 328 of the ATM protein. Computational prediction suggests that this variant may not impact protein structure and function (internally defined REVEL score threshold <= 0.5, PMID: 27666373). To our knowledge, functional studies have not been reported for this variant. This variant has not been reported in individuals affected with ATM-related disorders in the literature. This variant has not been identified in the general population by the Genome Aggregation Database (gnomAD). The available evidence is insufficient to determine the role of this variant in disease conclusively. Therefore, this variant is classified as a Variant of Uncertain Significance.

Labcorp Genetics (formerly Invitae), Labcorp
Classification: Uncertain significance for Ataxia-telangiectasia syndrome. Last evaluated: 2021-08-06. Review status: criteria provided, single submitter. Criteria: Invitae Variant Classification Sherloc (09022015). Collection method: clinical testing. Allele origin: germline.
Comment: This sequence change replaces serine with arginine at codon 328 of the ATM protein (p.Ser328Arg). The serine residue is moderately conserved and there is a moderate physicochemical difference between serine and arginine. This variant is not present in population databases (ExAC no frequency). This variant has not been reported in the literature in individuals affected with ATM-related conditions. ClinVar contains an entry for this variant (Variation ID: 490759). Advanced modeling of protein sequence and biophysical properties (such as structural, functional, and spatial information, amino acid conservation, physicochemical variation, residue mobility, and thermodynamic stability) performed at Invitae indicates that this missense variant is not expected to disrupt ATM protein function. In summary, the available evidence is currently insufficient to determine the role of this variant in disease. Therefore, it has been classified as a Variant of Uncertain Significance.